The following is an entry in ClinVar:

ClinVar aggregate classification (germline): Uncertain significance (1 of 4 stars; one submission).

Conditions:
Inborn genetic diseases. Identifiers: MedGen C0950123, MeSH D030342.

Submission:

Ambry Genetics
Classification: Uncertain significance for Inborn genetic diseases. Last evaluated: 2024-07-13. Review status: criteria provided, single submitter. Criteria: Ambry Variant Classification Scheme 2023. Collection method: clinical testing. Allele origin: germline.
Comment: The p.R690L variant (also known as c.2069G>T), located in coding exon 22 of the ERCC2 gene, results from a G to T substitution at nucleotide position 2069. The arginine at codon 690 is replaced by leucine, an amino acid with dissimilar properties. This amino acid position is conserved. In addition, this alteration is predicted to be deleterious by in silico analysis. Based on the available evidence, the clinical significance of this variant remains unclear.

NM_000400.4(ERCC2):c.2069G>T (p.Arg690Leu)

Gene: ERCC2 (ERCC excision repair 2, TFIIH core complex helicase subunit; minus strand). Cytogenetic location: 19q13.32.
Variant type: single nucleotide variant.
Coding change: c.2069G>T on transcript NM_000400.4 (MANE Select); coding-DNA position 2069, G replaced by T.
Protein change: p.Arg690Leu; replaces arginine 690 with leucine.
Molecular consequence: missense variant.
Genome position (GRCh38, 1-based): chr19:45,352,330, C>A on the plus strand (G>T on the coding strand, the complement: ERCC2 is on the minus strand). VCF-style: chr19-45352330-C-A. GRCh37 (hg19) VCF-style: chr19-45855588-C-A.
Other names: short protein forms R690L.
Identifiers: ClinVar variation 3509829 (VCV003509829.1).
Genomic context (GRCh38, chr19:45,352,330, plus strand): 5'-ACGGTCAGGTTGAGGTTGGCATCTGTGAGGTGCTCCTGGATCCAGCGGGGCAGCTTCCCC[C>A]GCTTGTCCCCACGGGCAAACCGCTGTGGGCAGAAGCGCAGGCCAGGGACAGAAGGTCATT-3'
Protein context (NP_000391.1, residues 680-700): ADKRFARGDK[Arg690Leu]GKLPRWIQEH